The following is an entry in ClinVar:

NM_004655.4(AXIN2):c.2009C>A (p.Pro670His)

Gene: AXIN2 (axin 2; minus strand). Cytogenetic location: 17q24.1.
Variant type: single nucleotide variant.
Coding change: c.2009C>A on transcript NM_004655.4 (MANE Select); coding-DNA position 2009, C replaced by A.
Protein change: p.Pro670His; replaces proline 670 with histidine.
Molecular consequence: missense variant.
Genome position (GRCh38, 1-based): chr17:65,536,452, G>T on the plus strand (C>A on the coding strand, the complement: AXIN2 is on the minus strand). VCF-style: chr17-65536452-G-T. GRCh37 (hg19) VCF-style: chr17-63532570-G-T.
Other names: c.1814C>A, p.Pro605His (NM_001363813.1); short protein forms P605H, P670H.
Identifiers: ClinVar variation 1354528 (VCV001354528.8), dbSNP rs748754551, ClinGen allele CA400676161.

ClinVar aggregate classification (germline): Uncertain significance (1 of 4 stars; one submission).

Conditions:
Oligodontia-cancer predisposition syndrome. Also called: TOOTH AGENESIS-COLORECTAL CANCER SYNDROME. Identifiers: Orphanet 300576, MedGen C1837750, MONDO:0012075, OMIM 608615. Disease mechanism: loss of function.

Submission:

Labcorp Genetics (formerly Invitae), Labcorp
Classification: Uncertain significance for Oligodontia-cancer predisposition syndrome. Last evaluated: 2020-12-07. Review status: criteria provided, single submitter. Criteria: Invitae Variant Classification Sherloc (09022015). Collection method: clinical testing. Allele origin: germline.
Comment: This sequence change replaces proline with histidine at codon 670 of the AXIN2 protein (p.Pro670His). The proline residue is moderately conserved and there is a moderate physicochemical difference between proline and histidine. This variant is not present in population databases (ExAC no frequency). This variant has not been reported in the literature in individuals with AXIN2-related conditions. Algorithms developed to predict the effect of missense changes on protein structure and function are either unavailable or do not agree on the potential impact of this missense change (SIFT: "Tolerated"; PolyPhen-2: "Possibly Damaging"; Align-GVGD: "Class C0"). In summary, the available evidence is currently insufficient to determine the role of this variant in disease. Therefore, it has been classified as a Variant of Uncertain Significance.